The following is an entry in ClinVar:

ClinVar aggregate classification (germline): Uncertain significance (1 of 4 stars; one submission).

Submission:

Labcorp Genetics (formerly Invitae), Labcorp
Classification: Uncertain significance. Last evaluated: 2023-06-08. Review status: criteria provided, single submitter. Criteria: Invitae Variant Classification Sherloc (09022015). Collection method: clinical testing. Allele origin: germline.
Comment: This variant has not been reported in the literature in individuals affected with PLEKHM2-related conditions. This variant, c.1095_1112dup, results in the insertion of 6 amino acid(s) of the PLEKHM2 protein (p.Asp366_Ser371dup), but otherwise preserves the integrity of the reading frame. This variant is not present in population databases (gnomAD no frequency). Algorithms developed to predict the effect of sequence changes on RNA splicing suggest that this variant may create or strengthen a splice site. In summary, the available evidence is currently insufficient to determine the role of this variant in disease. Therefore, it has been classified as a Variant of Uncertain Significance.

NM_015164.4(PLEKHM2):c.1095_1112dup (p.Ser371_Pro372insAspThrMetLeuAlaSer)

Gene: PLEKHM2 (pleckstrin homology and RUN domain containing M2; plus strand). Cytogenetic location: 1p36.21.
Variant type: Duplication.
Coding change: c.1095_1112dup on transcript NM_015164.4 (MANE Select); coding-DNA positions 1095 to 1112, 18 bases duplicated (AGACACTATGCTTGCCTC).
Protein change: p.Ser371_Pro372insAspThrMetLeuAlaSer.
Molecular consequence: inframe insertion.
Genome position (GRCh38, 1-based): chr1:15,727,167-15,727,184, AGACACTATGCTTGCCTC duplicated; duplicating any 18 consecutive bases within chr1:15,727,166-15,727,184 gives the same sequence; the c. name uses the placement nearest the transcript's 3' end. VCF-style (leftmost placement, unchanged base first): chr1-15727165-C-CCAGACACTATGCTTGCCT. GRCh37 (hg19) VCF-style: chr1-16053660-C-CCAGACACTATGCTTGCCT.
Other names: c.1035_1052dup, p.Ser351_Pro352insAspThrMetLeuAlaSer (NM_001410755.1).
Identifiers: ClinVar variation 2699043 (VCV002699043.3), dbSNP rs2068074489, ClinGen allele CA1155458249.